The following is an entry in ClinVar:

ClinVar aggregate classification (germline): Uncertain significance (0 of 4 stars; one submission).

Conditions:
ABCC2-related disorder. Also called: ABCC2-related condition.

Submission:

PreventionGenetics, part of Exact Sciences
Classification: Uncertain significance for ABCC2-related condition. Last evaluated: 2024-08-23. Review status: no assertion criteria provided. Collection method: clinical testing. Allele origin: germline.
Comment: The ABCC2 c.2854A>G variant is predicted to result in the amino acid substitution p.Ile952Val. To our knowledge, this variant has not been reported in the literature or in a large population database, indicating this variant is rare. At this time, the clinical significance of this variant is uncertain due to the absence of conclusive functional and genetic evidence.

NM_000392.5(ABCC2):c.2854A>G (p.Ile952Val)

Genes: ABCC2 (ATP binding cassette subfamily C member 2; plus strand), LOC126861012 (BRD4-independent group 4 enhancer GRCh37_chr10:101589748-101590947; plus strand). Cytogenetic location: 10q24.2.
Variant type: single nucleotide variant.
Coding change: c.2854A>G on transcript NM_000392.5 (MANE Select); coding-DNA position 2854, A replaced by G.
Protein change: p.Ile952Val; replaces isoleucine 952 with valine.
Molecular consequence: missense variant.
Genome position (GRCh38, 1-based): chr10:99,830,822, A>G. VCF-style: chr10-99830822-A-G. GRCh37 (hg19) VCF-style: chr10-101590579-A-G.
Other names: short protein forms I952V.
Identifiers: ClinVar variation 3346960 (VCV003346960.1).
Genomic context (GRCh38, chr10:99,830,822, plus strand): 5'-AAAACTCGGAATGTGAATAGCCTGAAGGAAGACGAAGAACTAGTGAAAGGACAAAAACTA[A>G]TTAAGAAGGAATTCATAGAAACTGGAAAGGTGAACACCACACAGAAAAGTAGCATTTGAG-3'
Protein context (NP_000383.2, residues 942-962): DEELVKGQKL[Ile952Val]KKEFIETGKV